The following is an entry in ClinVar:

ClinVar aggregate classification (germline): Uncertain significance (0 of 4 stars; one submission).

Conditions:
PLXNA3-related disorder. Also called: PLXNA3-related condition.

Allele frequency attached by ClinVar (database versions not stated): ExAC 0.00001; TOPMed 0.00003; gnomAD 0.00004; gnomAD exomes 0.00005.

Submission:

PreventionGenetics, part of Exact Sciences
Classification: Uncertain significance for PLXNA3-related condition. Last evaluated: 2024-05-16. Review status: no assertion criteria provided. Collection method: clinical testing. Allele origin: germline.
Comment: The PLXNA3 c.2768G>A variant is predicted to result in the amino acid substitution p.Arg923His. To our knowledge, this variant has not been reported in the literature. This variant is reported in 0.0074% of alleles in individuals of European (Finnish) descent in gnomAD. At this time, the clinical significance of this variant is uncertain due to the absence of conclusive functional and genetic evidence.

NM_017514.5(PLXNA3):c.2768G>A (p.Arg923His)

Gene: PLXNA3 (plexin A3; plus strand). Cytogenetic location: Xq28.
Variant type: single nucleotide variant.
Coding change: c.2768G>A on transcript NM_017514.5 (MANE Select); coding-DNA position 2768, G replaced by A.
Protein change: p.Arg923His; replaces arginine 923 with histidine.
Molecular consequence: missense variant.
Genome position (GRCh38, 1-based): chrX:154,466,239, G>A. VCF-style: chrX-154466239-G-A. GRCh37 (hg19) VCF-style: chrX-153694582-G-A.
Other names: short protein forms R923H.
Identifiers: ClinVar variation 3048058 (VCV003048058.2), dbSNP rs782590505, ClinGen allele CA10564470.
Genomic context (GRCh38, chrX:154,466,239, plus strand): 5'-TGCCCAGCCCGCCGCCGGGGCCCGTGGAGCTGTGTGTGGGTGACTGTTCAGCCGACTTCC[G>A]CACGCAGTCGGAGCAGGTCTACAGCTTTGTGGTGCGTGGCTGCCGGCCCTACCCCTTCCT-3'
Protein context (NP_059984.3, residues 913-933): LCVGDCSADF[Arg923His]TQSEQVYSFV